The following is an entry in ClinVar:

NM_001304359.2(MUC5AC):c.13743T>C (p.Pro4581=)

Gene: MUC5AC (mucin 5AC, oligomeric mucus/gel-forming; plus strand). Cytogenetic location: 11p15.5.
Variant type: single nucleotide variant.
Coding change: c.13743T>C on transcript NM_001304359.2 (MANE Select); coding-DNA position 13743, T replaced by C.
Protein change: p.Pro4581=; no amino-acid change (proline 4581 retained).
Molecular consequence: synonymous variant.
Genome position (GRCh38, 1-based): chr11:1,191,888, T>C. VCF-style: chr11-1191888-T-C. GRCh37 (hg19) VCF-style: chr11-1213113-T-C.
Identifiers: ClinVar variation 3778076 (VCV003778076.7).
Genomic context (GRCh38, chr11:1,191,888, plus strand): 5'-AACCTCTGGTCCTGGAACTACTCCCAGCCCTGTTCCCACCACCAGCACAACCTCTGCTCC[T>C]ACAACCAGCACGACCTCTGGTCCTGGAACTACTCCCAGCCCCGTTCCCACCACCAGCACA-3'
Protein context (NP_001291288.1, residues 4571-4591): PVPTTSTTSA[Pro4581=]TTSTTSGPGT

ClinVar aggregate classification (germline): Likely benign (1 of 4 stars; one submission).

Submission:

CeGaT Center for Human Genetics Tuebingen
Classification: Likely benign. Last evaluated: 2025-03-01. Review status: criteria provided, single submitter. Criteria: CeGaT Center For Human Genetics Tuebingen Variant Classification Criteria Version 2. Collection method: clinical testing. Allele origin: germline. Affected: yes. Observed: 1 variant allele.
Comment: MUC5AC: PM2:Supporting, BP4, BP7